The following is an entry in ClinVar:

ClinVar aggregate classification (germline): Uncertain significance (1 of 4 stars; one submission).

Submission:

Labcorp Genetics (formerly Invitae), Labcorp
Classification: Uncertain significance. Last evaluated: 2020-12-12. Review status: criteria provided, single submitter. Criteria: Invitae Variant Classification Sherloc (09022015). Collection method: clinical testing. Allele origin: germline.
Comment: This variant has not been reported in the literature in individuals with NOTCH3-related conditions. This sequence change replaces arginine with leucine at codon 2237 of the NOTCH3 protein (p.Arg2237Leu). The arginine residue is highly conserved and there is a moderate physicochemical difference between arginine and leucine. This variant is not present in population databases (ExAC no frequency). Advanced modeling of protein sequence and biophysical properties (such as structural, functional, and spatial information, amino acid conservation, physicochemical variation, residue mobility, and thermodynamic stability) performed at Invitae indicates that this missense variant is not expected to disrupt NOTCH3 protein function. In summary, the available evidence is currently insufficient to determine the role of this variant in disease. Therefore, it has been classified as a Variant of Uncertain Significance.

NM_000435.3(NOTCH3):c.6710G>T (p.Arg2237Leu)

Gene: NOTCH3 (notch receptor 3; minus strand). Cytogenetic location: 19p13.12.
Variant type: single nucleotide variant.
Coding change: c.6710G>T on transcript NM_000435.3 (MANE Select); coding-DNA position 6710, G replaced by T.
Protein change: p.Arg2237Leu; replaces arginine 2237 with leucine.
Molecular consequence: missense variant.
Genome position (GRCh38, 1-based): chr19:15,160,918, C>A on the plus strand (G>T on the coding strand, the complement: NOTCH3 is on the minus strand). VCF-style: chr19-15160918-C-A. GRCh37 (hg19) VCF-style: chr19-15271729-C-A.
Other names: short protein forms R2237L.
Identifiers: ClinVar variation 1505499 (VCV001505499.8), dbSNP rs537601286, ClinGen allele CA404486687.